The following is an entry in ClinVar:

ClinVar aggregate classification (germline): Likely benign. Review status: criteria provided, multiple submitters, no conflicts (2 of 4 stars). 4 submissions from 4 submitters: Likely benign (3). 1 of the submissions does not count toward it. Last evaluated 2026-01-01.

Conditions:
Inborn genetic diseases. Identifiers: MedGen C0950123, MeSH D030342.
TCF4-related disorder. Also called: TCF4-related condition.
Pitt-Hopkins syndrome (PTHS). Also called: MENTAL RETARDATION, SYNDROMAL, WITH INTERMITTENT HYPERVENTILATION; ENCEPHALOPATHY, SEVERE EPILEPTIC, WITH AUTONOMIC DYSFUNCTION. Identifiers: Orphanet 2896, MedGen C1970431, MONDO:0012589, OMIM 610954.

Allele frequency attached by ClinVar (database versions not stated): gnomAD exomes 0.00002; TOPMed 0.00015; ExAC 0.00004; gnomAD 0.00012.
gnomAD v4.1: 55 of 1,613,930 alleles (0.0034%); highest among the groups gnomAD compares: African/African-American, 0.025%; no homozygotes.

Submissions (4):

Labcorp Genetics (formerly Invitae), Labcorp
Classification: Likely benign for Pitt-Hopkins syndrome. Last evaluated: 2026-01-01. Review status: criteria provided, single submitter. Criteria: Invitae Variant Classification Sherloc (09022015). Collection method: clinical testing. Allele origin: germline.

GeneDx
Classification: Likely benign. Last evaluated: 2020-11-20. Review status: criteria provided, single submitter. Criteria: GeneDx Variant Classification Process June 2021. Collection method: clinical testing. Allele origin: germline. Affected: yes.

Ambry Genetics
Classification: Likely benign for Inborn genetic diseases. Last evaluated: 2017-11-02. Review status: criteria provided, single submitter. Criteria: Ambry Variant Classification Scheme 2023. Collection method: clinical testing. Allele origin: germline.

PreventionGenetics, part of Exact Sciences
Classification: Likely benign for TCF4-related condition. Last evaluated: 2023-04-25. Review status: no assertion criteria provided. Collection method: clinical testing. Allele origin: germline. Not counted in ClinVar's aggregate classification.
Comment: This variant is classified as likely benign based on ACMG/AMP sequence variant interpretation guidelines (Richards et al. 2015 PMID: 25741868, with internal and published modifications).

NM_001083962.2(TCF4):c.1545C>T (p.Ser515=)

Gene: TCF4 (transcription factor 4; minus strand). Cytogenetic location: 18q21.2.
Variant type: single nucleotide variant.
Coding change: c.1545C>T on transcript NM_001083962.2 (MANE Select); coding-DNA position 1545, C replaced by T.
Protein change: p.Ser515=; no amino-acid change (serine 515 retained).
Molecular consequence: synonymous variant.
Genome position (GRCh38, 1-based): chr18:55,232,613, G>A on the plus strand (C>T on the coding strand, the complement: TCF4 is on the minus strand). VCF-style: chr18-55232613-G-A. GRCh37 (hg19) VCF-style: chr18-52899844-G-A.
Other names: c.1851C>T, p.Ser617= (NM_001243226.3); c.1473C>T, p.Ser491= (NM_001243227.2, NM_001306207.1, NM_001348217.1 and 5 more transcripts); c.1563C>T, p.Ser521= (NM_001243228.2); c.1536C>T, p.Ser512= (NM_001243230.2); c.1419C>T, p.Ser473= (NM_001243231.2, NM_001348211.2); c.1332C>T, p.Ser444= (NM_001243232.1, NM_001306208.1); c.1155C>T, p.Ser385= (NM_001243233.2, NM_001330605.3, NM_001348212.2 and 1 more transcripts); c.1065C>T, p.Ser355= (NM_001243234.2, NM_001243235.2, NM_001243236.2 and 1 more transcripts); and 6 more.
Identifiers: ClinVar variation 378716 (VCV000378716.18), dbSNP rs777418647, ClinGen allele CA8970172.